The following is an entry in ClinVar:

NM_024685.4(BBS10):c.1266del (p.Gln423fs)

Gene: BBS10 (Bardet-Biedl syndrome 10; minus strand). Cytogenetic location: 12q21.2.
Variant type: Deletion.
Coding change: c.1266del on transcript NM_024685.4 (MANE Select); coding-DNA position 1266, one base deleted (G; older notation c.1266delG).
Protein change: p.Gln423fs; shifts the reading frame from glutamine 423.
Molecular consequence: frameshift variant.
Genome position (GRCh38, 1-based): chr12:76,346,719, C deleted on the plus strand (G on the coding strand, the reverse complement: BBS10 is on the minus strand); the first of 2 consecutive C bases (chr12:76,346,719-76,346,720); deleting either gives the same sequence. VCF-style (leftmost placement, unchanged base first): chr12-76346718-GC-G. GRCh37 (hg19) VCF-style: chr12-76740498-GC-G.
Other names: short protein forms Q423fs.
Identifiers: ClinVar variation 3776016 (VCV003776016.1).

ClinVar aggregate classification (germline): Likely pathogenic (1 of 4 stars; one submission).

Conditions:
Bardet-Biedl syndrome 10 (BBS10). Identifiers: Orphanet 110, MedGen C1859568, MONDO:0014438, OMIM 615987.

Submission:

3billion
Classification: Likely pathogenic for Bardet-Biedl syndrome 10. Last evaluated: 2023-07-14. Review status: criteria provided, single submitter. Criteria: ACMG Guidelines, 2015. Collection method: clinical testing. Allele origin: germline. Affected: yes.
Comment: The variant is not observed in the gnomAD v2.1.1 dataset. Predicted Consequence/Location: Frameshift: predicted to result in a loss or disruption of normal protein function through protein truncation. The predicted truncated protein may be shortened by more than 10%. Multiple pathogenic variants are reported downstream of the variant. Therefore, this variant is classified as Likely pathogenic according to the recommendation of ACMG/AMP guideline.